The following is an entry in ClinVar:

NM_001369.3(DNAH5):c.7849_7850del (p.Leu2617fs)

Gene: DNAH5 (dynein axonemal heavy chain 5; minus strand). Cytogenetic location: 5p15.2.
Variant type: Deletion.
Coding change: c.7849_7850del on transcript NM_001369.3 (MANE Select); coding-DNA positions 7849 to 7850, 2 bases deleted (CT; older notation c.7849_7850delCT).
Protein change: p.Leu2617fs; shifts the reading frame from leucine 2617.
Molecular consequence: frameshift variant.
Genome position (GRCh38, 1-based): chr5:13,807,628-13,807,629, AG deleted on the plus strand (CT on the coding strand, the reverse complement: DNAH5 is on the minus strand); deleting any 2 consecutive bases within chr5:13,807,628-13,807,630 gives the same sequence; the c. name uses the placement nearest the transcript's 3' end. VCF-style (leftmost placement, unchanged base first): chr5-13807627-CAG-C. GRCh37 (hg19) VCF-style: chr5-13807736-CAG-C.
Other names: short protein forms L2617fs.
Identifiers: ClinVar variation 1724758 (VCV001724758.2), dbSNP rs2546793663, ClinGen allele CA2580071997.

ClinVar aggregate classification (germline): Likely pathogenic (1 of 4 stars; one submission).

Conditions:
Primary ciliary dyskinesia 3. Identifiers: Orphanet 244, MedGen C1837618, MONDO:0012085, OMIM 608644.

Submission:

Myriad Genetics, Inc.
Classification: Likely pathogenic for Primary ciliary dyskinesia 3. Last evaluated: 2021-11-19. Review status: criteria provided, single submitter. Criteria: Myriad Women's Health Autosomal Recessive and X-Linked Classification Criteria (2021). Collection method: clinical testing. Allele origin: unknown.
Comment: NM_001369.2(DNAH5):c.7849_7850delCT(L2617Efs*21) is expected to be pathogenic in the context of DNAH5-related primary ciliary dyskinesia. This variant is predicted to lead to an abnormal or absent protein product due to the creation of a premature termination codon in DNAH5, a gene where loss-of-function variants are known to be pathogenic. Please note: this variant was assessed in the context of healthy population screening.